The following is an entry in ClinVar:

NM_001367624.2(ZNF469):c.3551C>G (p.Ala1184Gly)

Gene: ZNF469 (zinc finger protein 469; plus strand). Cytogenetic location: 16q24.2.
Variant type: single nucleotide variant.
Coding change: c.3551C>G on transcript NM_001367624.2 (MANE Select); coding-DNA position 3551, C replaced by G.
Protein change: p.Ala1184Gly; replaces alanine 1184 with glycine.
Molecular consequence: missense variant.
Genome position (GRCh38, 1-based): chr16:88,431,021, C>G. VCF-style: chr16-88431021-C-G. GRCh37 (hg19) VCF-style: chr16-88497429-C-G.
Other names: short protein forms A1184G.
Identifiers: ClinVar variation 4710330 (VCV004710330.1).

ClinVar aggregate classification (germline): Uncertain significance (1 of 4 stars; one submission).

Submission:

Labcorp Genetics (formerly Invitae), Labcorp
Classification: Uncertain significance. Last evaluated: 2025-08-04. Review status: criteria provided, single submitter. Criteria: Invitae Variant Classification Sherloc (09022015). Collection method: clinical testing. Allele origin: germline.
Comment: This sequence change replaces alanine, which is neutral and non-polar, with glycine, which is neutral and non-polar, at codon 1156 of the ZNF469 protein (p.Ala1156Gly). This variant is present in population databases (rs773837873, gnomAD 0.004%). This variant has not been reported in the literature in individuals affected with ZNF469-related conditions. An algorithm developed to predict the effect of missense changes on protein structure and function (PolyPhen-2) suggests that this variant is likely to be tolerated. In summary, the available evidence is currently insufficient to determine the role of this variant in disease. Therefore, it has been classified as a Variant of Uncertain Significance.